The following is an entry in ClinVar:

NM_025145.7(CFAP43):c.3937C>T (p.Arg1313Ter)

Gene: CFAP43 (cilia and flagella associated protein 43; minus strand). Cytogenetic location: 10q25.1.
Variant type: single nucleotide variant.
Coding change: c.3937C>T on transcript NM_025145.7 (MANE Select); coding-DNA position 3937, C replaced by T.
Protein change: p.Arg1313Ter; replaces arginine 1313 with a stop codon.
Molecular consequence: nonsense.
Genome position (GRCh38, 1-based): chr10:104,145,483, G>A on the plus strand (C>T on the coding strand, the complement: CFAP43 is on the minus strand). VCF-style: chr10-104145483-G-A. GRCh37 (hg19) VCF-style: chr10-105905241-G-A.
Other names: short protein forms R1313*.
Identifiers: ClinVar variation 2585282 (VCV002585282.1), dbSNP rs2087918488, ClinGen allele CA378086387.

ClinVar aggregate classification (germline): Likely pathogenic (1 of 4 stars; one submission).

Conditions:
Normal pressure hydrocephalus. Identifiers: MedGen C0020258, MONDO:0009366, OMIM 236690, HP:0002343.

Allele frequency attached by ClinVar (database versions not stated): gnomAD exomes below 0.00001; gnomAD 0.00001.
gnomAD v4.1: 7 of 1,588,722 alleles (0.00044%); highest among the groups gnomAD compares: South Asian, 0.0045%; no homozygotes.

Submission:

Neuberg Centre For Genomic Medicine, NCGM
Classification: Likely pathogenic for Normal pressure hydrocephalus. Review status: criteria provided, single submitter. Criteria: ACMG Guidelines, 2015. Collection method: clinical testing. Allele origin: germline. Inheritance: Autosomal dominant inheritance. Affected: yes.
Comment: The stop gained variant has not been reported previously as a pathogenic variant nor as a benign variant, to our knowledge. This variant is novel (not in any individuals) in gnomAD Exomes and in 1000 Genomes. This variant is predicted to cause loss of normal protein function through protein truncation. Loss of function variants have been previously reported to be disease causing. For these reasons, this variant has been classified as Likely Pathogenic.